The following is an entry in ClinVar:

NM_001142800.2(EYS):c.4760G>A (p.Trp1587Ter)

Gene: EYS (EGF-like photoreceptor maintenance factor; minus strand). Cytogenetic location: 6q12.
Variant type: single nucleotide variant.
Coding change: c.4760G>A on transcript NM_001142800.2 (MANE Select); coding-DNA position 4760, G replaced by A.
Protein change: p.Trp1587Ter; replaces tryptophan 1587 with a stop codon.
Molecular consequence: nonsense.
Genome position (GRCh38, 1-based): chr6:64,591,107, C>T on the plus strand (G>A on the coding strand, the complement: EYS is on the minus strand). VCF-style: chr6-64591107-C-T. GRCh37 (hg19) VCF-style: chr6-65301000-C-T.
Other names: c.4760G>A, p.Trp1587Ter (NM_001292009.2); short protein forms W1587*.
Identifiers: ClinVar variation 1453579 (VCV001453579.36), dbSNP rs2149831862, ClinGen allele CA364782597.

ClinVar aggregate classification (germline): Pathogenic. Review status: criteria provided, multiple submitters, no conflicts (2 of 4 stars). 3 submissions from 3 submitters: Pathogenic (2). 1 of the submissions does not count toward it. Last evaluated 2022-07-01.

Conditions:
Retinal dystrophy. Also called: Inherited retinal dystrophy. Identifiers: Orphanet 71862, MedGen C0854723, MeSH D058499, MONDO:0019118, HP:0000556.

Submissions (3):

CeGaT Center for Human Genetics Tuebingen
Classification: Pathogenic. Last evaluated: 2022-07-01. Review status: criteria provided, single submitter. Criteria: CeGaT Center For Human Genetics Tuebingen Variant Classification Criteria Version 2. Collection method: clinical testing. Allele origin: germline. Affected: yes. Observed: 1 variant allele.
Comment: EYS: PVS1, PM2

Labcorp Genetics (formerly Invitae), Labcorp
Classification: Pathogenic. Last evaluated: 2021-10-13. Review status: criteria provided, single submitter. Criteria: Invitae Variant Classification Sherloc (09022015). Collection method: clinical testing. Allele origin: germline.
Comment: For these reasons, this variant has been classified as Pathogenic. This variant has not been reported in the literature in individuals affected with EYS-related conditions. This variant is not present in population databases (ExAC no frequency). This sequence change creates a premature translational stop signal (p.Trp1587*) in the EYS gene. It is expected to result in an absent or disrupted protein product. Loss-of-function variants in EYS are known to be pathogenic (PMID: 18836446, 20333770).

Institute of Human Genetics, Univ. Regensburg, Univ. Regensburg
Classification: Pathogenic for Retinal dystrophy. Last evaluated: 2020-01-01. Review status: no assertion criteria provided. Criteria: ACMG Guidelines, 2015. Collection method: clinical testing. Allele origin: germline. Affected: yes. Not counted in ClinVar's aggregate classification.

Literature cited by the submitters: PubMed 18836446 (cited by Labcorp Genetics (formerly Invitae), Labcorp); PubMed 20333770 (cited by Labcorp Genetics (formerly Invitae), Labcorp).